The following is an entry in ClinVar:

NM_001394998.1(TANC2):c.*2201_*2202delinsGA

Gene: TANC2 (tetratricopeptide repeat, ankyrin repeat and coiled-coil containing 2; plus strand). Cytogenetic location: 17q23.3.
Variant type: Indel.
Coding change: c.*2201_*2202delinsGA on transcript NM_001394998.1 (MANE Select); 2201 bases downstream of the stop codon through 2202 bases downstream of the stop codon, CT replaced by GA.
Molecular consequence: 3 prime UTR variant.
Genome position (GRCh38, 1-based): chr17:63,424,156-63,424,157, CT replaced by GA. VCF-style: chr17-63424156-CT-GA. GRCh37 (hg19) VCF-style: chr17-61501517-CT-GA.
Other names: c.*2201_*2202delinsGA (NM_001411076.1, NM_025185.4).
Identifiers: ClinVar variation 3235826 (VCV003235826.1), dbSNP rs2510626154, ClinGen allele CA2825002587.
Genomic context (GRCh38, chr17:63,424,156, plus strand): 5'-CAGTGTCTGTCAGGAAAGTGCTCCTGCTCATTTGGAACGCCACACACCACCCGCACTCAC[CT>GA]GTCCAGGCGAATGAGCAGGTCCTGTAGCTTTACAAATATGCCGCTGATGCCGCTTCTCCC-3'

ClinVar aggregate classification (germline): Uncertain significance (1 of 4 stars; one submission).

Submission:

Greenwood Genetic Center Diagnostic Laboratories, Greenwood Genetic Center
Classification: Uncertain significance. Last evaluated: 2024-03-28. Review status: criteria provided, single submitter. Criteria: ACMG Guidelines, 2015. Collection method: clinical testing. Allele origin: germline. Affected: yes.
Comment: PS2